The following is an entry in ClinVar:

NM_004239.4(TRIP11):c.3631C>T (p.Arg1211Cys)

Gene: TRIP11 (thyroid hormone receptor interactor 11; minus strand). Cytogenetic location: 14q32.12.
Variant type: single nucleotide variant.
Coding change: c.3631C>T on transcript NM_004239.4 (MANE Select); coding-DNA position 3631, C replaced by T.
Protein change: p.Arg1211Cys; replaces arginine 1211 with cysteine.
Molecular consequence: missense variant.
Genome position (GRCh38, 1-based): chr14:92,004,345, G>A on the plus strand (C>T on the coding strand, the complement: TRIP11 is on the minus strand). VCF-style: chr14-92004345-G-A. GRCh37 (hg19) VCF-style: chr14-92470689-G-A.
Other names: c.3628C>T, p.Arg1210Cys (NM_001321851.1); short protein forms R1210C, R1211C.
Identifiers: ClinVar variation 1471457 (VCV001471457.8), dbSNP rs760350739, ClinGen allele CA7313601.

ClinVar aggregate classification (germline): Uncertain significance (1 of 4 stars; one submission).

Conditions:
Achondrogenesis, type IA (ACG1A). Identifiers: Orphanet 932, Orphanet 93299, MedGen C0265273, MONDO:0008701, OMIM 200600.

Allele frequency attached by ClinVar (database versions not stated): ExAC 0.00001; gnomAD exomes 0.00001; TOPMed 0.00002.
gnomAD v4.1: 18 of 1,613,948 alleles (0.0011%); highest among the groups gnomAD compares: Admixed American, 0.0033%; no homozygotes.

Submission:

Labcorp Genetics (formerly Invitae), Labcorp
Classification: Uncertain significance for Achondrogenesis, type IA. Last evaluated: 2021-05-25. Review status: criteria provided, single submitter. Criteria: Invitae Variant Classification Sherloc (09022015). Collection method: clinical testing. Allele origin: germline.
Comment: Algorithms developed to predict the effect of missense changes on protein structure and function are either unavailable or do not agree on the potential impact of this missense change (SIFT: "Not Available"; PolyPhen-2: "Probably Damaging"; Align-GVGD: "Not Available"). This variant has not been reported in the literature in individuals with TRIP11-related conditions. This variant is present in population databases (rs760350739, ExAC 0.006%). This sequence change replaces arginine with cysteine at codon 1211 of the TRIP11 protein (p.Arg1211Cys). The arginine residue is moderately conserved and there is a large physicochemical difference between arginine and cysteine. In summary, the available evidence is currently insufficient to determine the role of this variant in disease. Therefore, it has been classified as a Variant of Uncertain Significance.